The following is an entry in ClinVar:

ClinVar aggregate classification (germline): Pathogenic (0 of 4 stars; one submission).

Submission:

GenMed Metabolism Lab
Classification: Pathogenic. Review status: no assertion criteria provided. Collection method: not provided. Allele origin: unknown.
ClinVar note: Converted during submission from pathogenic to Pathogenic.

NM_000531.6(OTC):c.268A>G (p.Ser90Gly)

Gene: OTC (ornithine transcarbamylase; plus strand). Cytogenetic location: Xp11.4.
Variant type: single nucleotide variant.
Coding change: c.268A>G on transcript NM_000531.6 (MANE Select); coding-DNA position 268, A replaced by G.
Protein change: p.Ser90Gly; replaces serine 90 with glycine.
Molecular consequence: missense variant.
Genome position (GRCh38, 1-based): chrX:38,369,847, A>G. VCF-style: chrX-38369847-A-G. GRCh37 (hg19) VCF-style: chrX-38229100-A-G.
Other names: short protein forms S90G.
Identifiers: ClinVar variation 97146 (VCV000097146.2), dbSNP rs72554340, ClinGen allele CA224522.